The following is an entry in ClinVar:

ClinVar aggregate classification (germline): Benign (3 of 4 stars; one submission).

Conditions:
Breast-ovarian cancer, familial, susceptibility to, 2 (BROVCA2). Also called: BRCA2 Hereditary Breast and Ovarian Cancer. Identifiers: Orphanet 145, MedGen C2675520, MONDO:0012933, OMIM 612555. Disease mechanism: loss of function.

Allele frequency attached by ClinVar (database versions not stated): 1000 Genomes Project 30x 0.00047; gnomAD 0.00054 and 0.00056; TOPMed 0.00057; 1000 Genomes Project 0.00080.
gnomAD v4.1: 81 of 152,200 alleles (0.053%); highest among the groups gnomAD compares: African/African-American, 0.19%; 1 homozygote.

Submission:

Evidence-based Network for the Interpretation of Germline Mutant Alleles (ENIGMA)
Classification: Benign for Breast-ovarian cancer, familial 2. Last evaluated: 2015-01-12. Review status: reviewed by expert panel. Criteria: ENIGMA BRCA1/2 Classification Criteria (2015). Collection method: curation. Allele origin: germline.
Comment: Class 1 not pathogenic based on frequency >1% in an outbred sampleset. Frequency 0.01016 (African), derived from 1000 genomes (2012-04-30).

NM_000059.4(BRCA2):c.7007+3936C>T

Gene: BRCA2 (BRCA2 DNA repair associated; plus strand). Cytogenetic location: 13q13.1.
Variant type: single nucleotide variant.
Coding change: c.7007+3936C>T on transcript NM_000059.4 (MANE Select); 3936 bases into the intron after coding-DNA position 7007, C replaced by T.
Molecular consequence: intron variant.
Genome position (GRCh38, 1-based): chr13:32,350,832, C>T. VCF-style: chr13-32350832-C-T. GRCh37 (hg19) VCF-style: chr13-32924969-C-T.
Other names: IVS 13+3936C>T.
Identifiers: ClinVar variation 209739 (VCV000209739.1), dbSNP rs192573117, ClinGen allele CA276707.